The following is an entry in ClinVar:

NM_017617.5(NOTCH1):c.6395C>T (p.Thr2132Met)

Gene: NOTCH1 (notch receptor 1; minus strand). Cytogenetic location: 9q34.3.
Variant type: single nucleotide variant.
Coding change: c.6395C>T on transcript NM_017617.5 (MANE Select); coding-DNA position 6395, C replaced by T.
Protein change: p.Thr2132Met; replaces threonine 2132 with methionine.
Molecular consequence: missense variant.
Genome position (GRCh38, 1-based): chr9:136,497,344, G>A on the plus strand (C>T on the coding strand, the complement: NOTCH1 is on the minus strand). VCF-style: chr9-136497344-G-A. GRCh37 (hg19) VCF-style: chr9-139391796-G-A.
Other names: c.6395C>T (NM_017617.3); short protein forms T2132M.
Identifiers: ClinVar variation 1441165 (VCV001441165.9), dbSNP rs777501680, ClinGen allele CA5339914.

ClinVar aggregate classification (germline): Conflicting classifications of pathogenicity. Review status: criteria provided, conflicting classifications (1 of 4 stars). 2 submissions from 2 submitters: Uncertain significance (1); Benign (1). Last evaluated 2026-01-31.

Conditions:
Adams-Oliver syndrome 5 (AOS5). Identifiers: Orphanet 974, MedGen C4014970, MONDO:0014459, OMIM 616028.

Allele frequency attached by ClinVar (database versions not stated): gnomAD exomes 0.00001 and 0.00002; ExAC 0.00001; TOPMed 0.00005.
gnomAD v4.1: 44 of 1,606,072 alleles (0.0027%); highest among the groups gnomAD compares: Non-Finnish European, 0.0031%; no homozygotes.

Submissions (2):

Labcorp Genetics (formerly Invitae), Labcorp
Classification: Benign for Adams-Oliver syndrome 5. Last evaluated: 2026-01-31. Review status: criteria provided, single submitter. Criteria: Invitae Variant Classification Sherloc (09022015). Collection method: clinical testing. Allele origin: germline.

GeneDx
Classification: Uncertain significance. Last evaluated: 2024-01-22. Review status: criteria provided, single submitter. Criteria: GeneDx Variant Classification Process June 2021. Collection method: clinical testing. Allele origin: germline.
Comment: Has not been previously published as pathogenic or benign in association with a NOTCH1-related disorder to our knowledge; Not observed at significant frequency in large population cohorts (gnomAD); In silico analysis supports that this missense variant does not alter protein structure/function; This variant is associated with the following publications: (PMID: 33247628)